The following is an entry in ClinVar:

NM_001040142.2(SCN2A):c.3954C>A (p.Ser1318=)

Gene: SCN2A (sodium voltage-gated channel alpha subunit 2; plus strand). Cytogenetic location: 2q24.3.
Variant type: single nucleotide variant.
Coding change: c.3954C>A on transcript NM_001040142.2 (MANE Select); coding-DNA position 3954, C replaced by A.
Protein change: p.Ser1318=; no amino-acid change (serine 1318 retained).
Molecular consequence: synonymous variant.
Genome position (GRCh38, 1-based): chr2:165,373,329, C>A. VCF-style: chr2-165373329-C-A. GRCh37 (hg19) VCF-style: chr2-166229839-C-A.
Other names: p.S1318S:TCC>TCA; c.3954C>A, p.Ser1318= (NM_001040143.2, NM_001371246.1, NM_001371247.1 and 1 more transcripts).
Identifiers: ClinVar variation 139015 (VCV000139015.51), dbSNP rs139507841, ClinGen allele CA293251.

ClinVar aggregate classification (germline): Benign/Likely benign. Review status: criteria provided, multiple submitters, no conflicts (2 of 4 stars). 5 submissions from 5 submitters: Benign (1); Likely benign (3). 1 of the submissions does not count toward it. Last evaluated 2025-10-27.

Conditions:
SCN2A-related disorder. Also called: SCN2A-related disorders; SCN2A-related condition. Identifiers: MedGen CN382226, MONDO:1060245.
Seizures, benign familial infantile, 3 (BFIS3). Also called: CONVULSIONS, BENIGN FAMILIAL INFANTILE, 3; Familial neonatal seizures. Identifiers: Orphanet 140927, Orphanet 306, MedGen C1843140, MONDO:0011904, OMIM 607745.
Developmental and epileptic encephalopathy, 11 (DEE11). Also called: Early infantile epileptic encephalopathy 11. Identifiers: Orphanet 1934, MedGen C3150987, MONDO:0013388, OMIM 613721.

Allele frequency attached by ClinVar (database versions not stated): TOPMed 0.00004; gnomAD exomes 0.00005; ExAC 0.00007; gnomAD 0.00013; ESP Exome Variant Server 0.00023.
gnomAD v4.1: 99 of 1,613,032 alleles (0.0061%); highest among the groups gnomAD compares: Non-Finnish European, 0.0081%; 1 homozygote.

Submissions (5):

Labcorp Genetics (formerly Invitae), Labcorp
Classification: Likely benign for Seizures, benign familial infantile, 3; Developmental and epileptic encephalopathy, 11. Last evaluated: 2025-10-27. Review status: criteria provided, single submitter. Criteria: Invitae Variant Classification Sherloc (09022015). Collection method: clinical testing. Allele origin: germline.

Blueprint Genetics
Classification: Likely benign. Last evaluated: 2024-05-15. Review status: criteria provided, single submitter. Criteria: ACMG Guidelines, 2015. Collection method: clinical testing. Allele origin: germline.

CeGaT Center for Human Genetics Tuebingen
Classification: Likely benign. Last evaluated: 2024-03-01. Review status: criteria provided, single submitter. Criteria: CeGaT Center For Human Genetics Tuebingen Variant Classification Criteria Version 2. Collection method: clinical testing. Allele origin: germline. Affected: yes. Observed: 3 variant alleles.
Comment: SCN2A: BP4, BP7

GeneDx
Classification: Benign. Last evaluated: 2013-05-20. Review status: criteria provided, single submitter. Criteria: GeneDx Variant Classification (06012015). Collection method: clinical testing. Allele origin: germline. Affected: yes.
Comment: This variant is considered likely benign or benign based on one or more of the following criteria: it is a conservative change, it occurs at a poorly conserved position in the protein, it is predicted to be benign by multiple in silico algorithms, and/or has population frequency not consistent with disease.

PreventionGenetics, part of Exact Sciences
Classification: Likely benign for SCN2A-related condition. Last evaluated: 2024-08-22. Review status: no assertion criteria provided. Collection method: clinical testing. Allele origin: germline. Not counted in ClinVar's aggregate classification.
Comment: This variant is classified as likely benign based on ACMG/AMP sequence variant interpretation guidelines (Richards et al. 2015 PMID: 25741868, with internal and published modifications).